The following is an entry in ClinVar:

ClinVar aggregate classification (germline): Uncertain significance (1 of 4 stars; one submission).

Allele frequency attached by ClinVar (database versions not stated): gnomAD exomes below 0.00001 and 0.00001.
gnomAD v4.1: 9 of 1,614,210 alleles (0.00056%); highest among the groups gnomAD compares: Non-Finnish European, 0.00076%; no homozygotes.

Submission:

Labcorp Genetics (formerly Invitae), Labcorp
Classification: Uncertain significance. Last evaluated: 2019-12-27. Review status: criteria provided, single submitter. Criteria: Invitae Variant Classification Sherloc (09022015). Collection method: clinical testing. Allele origin: germline.
Comment: This variant has not been reported in the literature in individuals with SZT2-related conditions. In summary, the available evidence is currently insufficient to determine the role of this variant in disease. Therefore, it has been classified as a Variant of Uncertain Significance. Algorithms developed to predict the effect of missense changes on protein structure and function are either unavailable or do not agree on the potential impact of this missense change (SIFT: "Tolerated"; PolyPhen-2: "Probably Damaging"; Align-GVGD: "Class C25"). This variant is not present in population databases (ExAC no frequency). This sequence change replaces alanine with valine at codon 1930 of the SZT2 protein (p.Ala1930Val). The alanine residue is highly conserved and there is a small physicochemical difference between alanine and valine.

NM_001365999.1(SZT2):c.5960C>T (p.Ala1987Val)

Gene: SZT2 (SZT2 subunit of KICSTOR complex; plus strand). Cytogenetic location: 1p34.2.
Variant type: single nucleotide variant.
Coding change: c.5960C>T on transcript NM_001365999.1 (MANE Select); coding-DNA position 5960, C replaced by T.
Protein change: p.Ala1987Val; replaces alanine 1987 with valine.
Molecular consequence: missense variant.
Genome position (GRCh38, 1-based): chr1:43,435,255, C>T. VCF-style: chr1-43435255-C-T. GRCh37 (hg19) VCF-style: chr1-43900926-C-T.
Other names: c.5789C>T, p.Ala1930Val (NM_015284.4); short protein forms A1930V, A1987V.
Identifiers: ClinVar variation 844057 (VCV000844057.10), dbSNP rs1160875821, ClinGen allele CA340027489.